The following is an entry in ClinVar:

ClinVar aggregate classification (germline): Pathogenic/Likely pathogenic. Review status: criteria provided, multiple submitters, no conflicts (2 of 4 stars). 8 submissions from 8 submitters: Pathogenic (1); Likely pathogenic (6). 1 of the submissions does not count toward it. Last evaluated 2024-01-19.

Conditions:
Birk-Barel syndrome. Also called: MENTAL RETARDATION WITH HYPOTONIA AND FACIAL DYSMORPHISM; KCNK9 Imprinting Syndrome. Identifiers: Orphanet 166108, MedGen C2676770, MONDO:0012856, OMIM 612292.
Inborn genetic diseases. Identifiers: MedGen C0950123, MeSH D030342.

Submissions (8):

MVZ Medizinische Genetik Mainz
Classification: Pathogenic for Birk-Barel syndrome. Last evaluated: 2024-01-19. Review status: criteria provided, single submitter. Criteria: UK Practice Guidelines For Variant Classification V4 01 2020. Collection method: clinical testing. Allele origin: germline. Inheritance: Autosomal dominant inheritance. Affected: yes. Observed: 1 variant allele.
Comment: ACMG Criteria: PS4,PM2_SUP,PP2

Illumina Laboratory Services, Illumina
Classification: Likely pathogenic for Birk-Barel syndrome. Last evaluated: 2021-08-17. Review status: criteria provided, single submitter. Criteria: ICSLVariantClassificationCriteria RUGD 01 April 2020. Collection method: clinical testing. Allele origin: unknown.
Comment: The KCNK9 c.392G>A (p.Arg131His) variant is a missense variant. A literature search was performed for the gene, cDNA change, and amino acid change. No publications were found based on this search. This variant is not found in version 2.1.1 or version 3.1.1 of the Genome Aggregation Database despite its location in a region of good sequence coverage, which suggests the variant is rare. Multiple lines of computational evidence suggest that this variant will have a deleterious impact on the protein. This variant was identified in a de novo state. Based on the available evidence, the p.Arg131His variant is classified as likely pathogenic for KCNK9-imprinting syndrome, also known as Birk-Barel syndrome.

Department of Genetics, Rouen University Hospital, Normandy Center for Genomic and Personalized Medicine
Classification: Likely pathogenic for Birk-Barel syndrome. Last evaluated: 2021-07-01. Review status: criteria provided, single submitter. Criteria: ACMG Guidelines, 2015. Collection method: clinical testing. Allele origin: de novo. Affected: yes.

Greenwood Genetic Center Diagnostic Laboratories, Greenwood Genetic Center
Classification: Likely pathogenic. Last evaluated: 2020-10-22. Review status: criteria provided, single submitter. Criteria: ACMG Guidelines, 2015. Collection method: clinical testing. Allele origin: germline. Affected: yes.

Ambry Genetics
Classification: Likely pathogenic for Inborn genetic diseases. Last evaluated: 2018-12-07. Review status: criteria provided, single submitter. Criteria: Ambry exome assertion method (8-5-2015). Collection method: clinical testing. Allele origin: germline. Affected: yes. Observed: 1 variant allele.

GeneDx
Classification: Likely pathogenic. Last evaluated: 2016-02-09. Review status: criteria provided, single submitter. Criteria: GeneDx Variant Classification (06012015). Collection method: clinical testing. Allele origin: germline. Affected: yes.
Comment: The R131H variant in the KCNK9 gene has not been reported previously as a pathogenic variant, nor as a benign variant, to our knowledge. The R131H variant was not observed in approximately 6500 individuals of European and African American ancestry in the NHLBI Exome Sequencing Project, indicating it is not a common benign variant in these populations. The R131H variant is a conservative amino acid substitution, which is not likely to impact secondary protein structure as these residues share similar properties. This substitution occurs at a position that is conserved across species. In silico analysis predicts this variant is probably damaging to the protein structure/function. The R131H variant is a strong candidate for a pathogenic variant, however the possibility it may be a rare benign variant cannot be excluded.

Baylor Genetics
Classification: Likely pathogenic for Birk-Barel syndrome. Review status: criteria provided, single submitter. Criteria: ACMG Guidelines, 2015. Collection method: clinical testing. Allele origin: unknown.

OMIM
Classification: Pathogenic for BIRK-BAREL SYNDROME. Last evaluated: 2023-01-25. Review status: no assertion criteria provided. Collection method: literature only. Allele origin: germline. Not counted in ClinVar's aggregate classification.

Literature cited by the submitters: PubMed 25326635 (cited by 3 submitters); PubMed 29165669 (cited by Ambry Genetics); PubMed 35698242 (cited by OMIM).

NM_001282534.2(KCNK9):c.392G>A (p.Arg131His)

Gene: KCNK9 (potassium two pore domain channel subfamily K member 9; minus strand). Cytogenetic location: 8q24.3.
Variant type: single nucleotide variant.
Coding change: c.392G>A on transcript NM_001282534.2 (MANE Select); coding-DNA position 392, G replaced by A.
Protein change: p.Arg131His; replaces arginine 131 with histidine.
Molecular consequence: missense variant. On other transcripts: non-coding transcript variant (1).
Genome position (GRCh38, 1-based): chr8:139,618,991, C>T on the plus strand (G>A on the coding strand, the complement: KCNK9 is on the minus strand). VCF-style: chr8-139618991-C-T. GRCh37 (hg19) VCF-style: chr8-140631234-C-T.
Other names: short protein forms R131H.
Identifiers: ClinVar variation 372887 (VCV000372887.15), dbSNP rs867543866, ClinGen allele CA16042626.
Genomic context (GRCh38, chr8:139,618,991, plus strand): 5'-TTGCGCATGCCACAGCACTTCTTAATGCGCTTCAGCAGGTAGCGCACGAAGGTGTTCATG[C>T]GCTCGCCCAGGCTCTGGAACATGACCAGTGTCAGCGGGATGCCCAGCACGGCGTAGAACA-3'
Protein context (NP_001269463.1, residues 121-141): TLVMFQSLGE[Arg131His]MNTFVRYLLK